The following is an entry in ClinVar:

NM_000390.4(CHM):c.1948_1949inv (p.Glu650Ser)

Gene: CHM (CHM Rab escort protein; minus strand). Cytogenetic location: Xq21.2.
Variant type: Inversion.
Coding change: c.1948_1949inv on transcript NM_000390.4 (MANE Select).
Protein change: p.Glu650Ser; replaces glutamic acid 650 with serine.
Molecular consequence: missense variant.
Genome position: GRCh38 VCF-style: chrX-85864643-TC-GA. GRCh37 (hg19) VCF-style: chrX-85119648-TC-GA.
Other names: c.1948_1949delinsTC (NM_000390.2); c.1504_1505inv, p.Glu502Ser (NM_001320959.1, NM_001362517.1, NM_001362518.2 and 1 more transcripts); short protein forms E502S, E650S.
Identifiers: ClinVar variation 1800739 (VCV001800739.1), ClinGen allele CA2580102014.

ClinVar aggregate classification (germline): Uncertain significance (1 of 4 stars; one submission).

Submission:

GeneDx
Classification: Uncertain significance. Last evaluated: 2022-05-11. Review status: criteria provided, single submitter. Criteria: GeneDx Variant Classification Process June 2021. Collection method: clinical testing. Allele origin: germline. Affected: yes.
Comment: Not observed at significant frequency in large population cohorts (gnomAD); In silico analysis supports that this variant does not alter protein structure/function; Has not been previously published as pathogenic or benign to our knowledge